The following is an entry in ClinVar:

NM_001042492.3(NF1):c.1693dup (p.Ala565fs)

Gene: NF1 (neurofibromin 1; plus strand). Cytogenetic location: 17q11.2.
Variant type: Duplication.
Coding change: c.1693dup on transcript NM_001042492.3 (MANE Select); coding-DNA position 1693, one base duplicated (G; older notation c.1693dupG).
Protein change: p.Ala565fs; shifts the reading frame from alanine 565.
Molecular consequence: frameshift variant.
Genome position (GRCh38, 1-based): chr17:31,221,901, G duplicated. VCF-style (leftmost placement, unchanged base first): chr17-31221900-T-TG. GRCh37 (hg19) VCF-style: chr17-29548918-T-TG.
Other names: c.1693dup, p.Ala565Glyfs (NM_000267.4); c.1693dup, p.Ala565fs (NM_001128147.3); short protein forms A565fs.
Identifiers: ClinVar variation 2910417 (VCV002910417.3), dbSNP rs2508109031, ClinGen allele CA2695224751.

ClinVar aggregate classification (germline): Pathogenic (1 of 4 stars; one submission).

Conditions:
Neurofibromatosis, type 1 (NF1). Also called: Neurofibromatosis, type I; NEUROFIBROMATOSIS, TYPE I, SOMATIC; Peripheral type neurofibromatosis; VON RECKLINGHAUSEN DISEASE. Identifiers: Orphanet 636, MedGen C0027831, MONDO:0018975, OMIM 162200. Disease mechanism: loss of function.

Submission:

Labcorp Genetics (formerly Invitae), Labcorp
Classification: Pathogenic for Neurofibromatosis, type 1. Last evaluated: 2023-04-06. Review status: criteria provided, single submitter. Criteria: Invitae Variant Classification Sherloc (09022015). Collection method: clinical testing. Allele origin: germline.
Comment: This premature translational stop signal has been observed in individual(s) with clinical features of neurofibromatosis type 1 (PMID: 30290804). This variant is also known as p.Asp564fs. For these reasons, this variant has been classified as Pathogenic. This variant is not present in population databases (gnomAD no frequency). This sequence change creates a premature translational stop signal (p.Ala565Glyfs*10) in the NF1 gene. It is expected to result in an absent or disrupted protein product. Loss-of-function variants in NF1 are known to be pathogenic (PMID: 10712197, 23913538).

Literature cited by the submitters: PubMed 30290804; PubMed 10712197; PubMed 23913538.